The following is an entry in ClinVar:

ClinVar aggregate classification (germline): Uncertain significance (1 of 4 stars; one submission).

Allele frequency attached by ClinVar (database versions not stated): gnomAD 0.00001; gnomAD exomes 0.00001 and 0.00002; ExAC 0.00002; TOPMed 0.00002.
gnomAD v4.1: 14 of 1,613,306 alleles (0.00087%); highest among the groups gnomAD compares: Non-Finnish European, 0.0012%; no homozygotes.

Submission:

Labcorp Genetics (formerly Invitae), Labcorp
Classification: Uncertain significance. Last evaluated: 2021-04-14. Review status: criteria provided, single submitter. Criteria: Invitae Variant Classification Sherloc (09022015). Collection method: clinical testing. Allele origin: germline.
Comment: Algorithms developed to predict the effect of missense changes on protein structure and function are either unavailable or do not agree on the potential impact of this missense change (SIFT: "Deleterious"; PolyPhen-2: "Benign"; Align-GVGD: "Class C0"). In summary, the available evidence is currently insufficient to determine the role of this variant in disease. Therefore, it has been classified as a Variant of Uncertain Significance. This variant has not been reported in the literature in individuals with ALAD-related conditions. This variant is present in population databases (rs752278186, ExAC 0.003%). This sequence change replaces aspartic acid with glycine at codon 266 of the ALAD protein (p.Asp266Gly). The aspartic acid residue is moderately conserved and there is a moderate physicochemical difference between aspartic acid and glycine.

NM_000031.6(ALAD):c.797A>G (p.Asp266Gly)

Gene: ALAD (aminolevulinate dehydratase; minus strand). Cytogenetic location: 9q32.
Variant type: single nucleotide variant.
Coding change: c.797A>G on transcript NM_000031.6 (MANE Select); coding-DNA position 797, A replaced by G.
Protein change: p.Asp266Gly; replaces aspartic acid 266 with glycine.
Molecular consequence: missense variant.
Genome position (GRCh38, 1-based): chr9:113,389,442, T>C on the plus strand (A>G on the coding strand, the complement: ALAD is on the minus strand). VCF-style: chr9-113389442-T-C. GRCh37 (hg19) VCF-style: chr9-116151722-T-C.
Other names: c.884A>G, p.Asp295Gly (NM_001003945.3); c.773A>G, p.Asp258Gly (NM_001317745.2); short protein forms D295G, D258G, D266G.
Identifiers: ClinVar variation 1477573 (VCV001477573.8), dbSNP rs752278186, ClinGen allele CA5196362.
Genomic context (GRCh38, chr9:113,389,442, plus strand): 5'-TGTGGAAAACTCTGTCCCAGCCCCCTGAGCCCCCTTTGCCTCGTACCTGTGCTCACCTTG[T>C]CCTTTACCTCCCGCACGATGTCCAGGTAGGGCATTCCCGGCTTCACCATGAGCATGTCAG-3'
Protein context (NP_000022.3, residues 256-276): PYLDIVREVK[Asp266Gly]KHPDLPLAVY